The following is an entry in ClinVar:

NM_015836.4(WARS2):c.899C>T (p.Ala300Val)

Gene: WARS2 (tryptophanyl tRNA synthetase 2, mitochondrial; minus strand). Cytogenetic location: 1p12.
Variant type: single nucleotide variant.
Coding change: c.899C>T on transcript NM_015836.4 (MANE Select); coding-DNA position 899, C replaced by T.
Protein change: p.Ala300Val; replaces alanine 300 with valine.
Molecular consequence: missense variant. On other transcripts: 3 prime UTR variant (2).
Genome position (GRCh38, 1-based): chr1:119,033,095, G>A on the plus strand (C>T on the coding strand, the complement: WARS2 is on the minus strand). VCF-style: chr1-119033095-G-A. GRCh37 (hg19) VCF-style: chr1-119575718-G-A.
Other names: c.830C>T, p.Ala277Val (NM_001378226.1, NM_001378227.1); c.728C>T, p.Ala243Val (NM_001378228.1); c.641C>T, p.Ala214Val (NM_001378229.1); c.617C>T, p.Ala206Val (NM_001378230.1); c.*234C>T (NM_001378231.1); c.*265C>T (NM_201263.2); short protein forms A214V, A206V, A300V, A243V, A277V.
Identifiers: ClinVar variation 1029414 (VCV001029414.4), dbSNP rs370628159, ClinGen allele CA1035185.

ClinVar aggregate classification (germline): Uncertain significance. Review status: criteria provided, multiple submitters, no conflicts (2 of 4 stars). 2 submissions from 2 submitters: Uncertain significance (2). Last evaluated 2024-10-15.

Conditions:
Neurodevelopmental disorder, mitochondrial, with abnormal movements and lactic acidosis, with or without seizures. Identifiers: Orphanet 572798, MedGen C4540192, MONDO:0060578, OMIM 617710.

Allele frequency attached by ClinVar (database versions not stated): gnomAD exomes 0.00001 and 0.00003; ExAC 0.00003; TOPMed 0.00008; gnomAD 0.00010 and 0.00012; ESP Exome Variant Server 0.00015.
gnomAD v4.1: 25 of 1,614,122 alleles (0.0015%); highest among the groups gnomAD compares: African/African-American, 0.032%; no homozygotes.

Submissions (2):

Labcorp Genetics (formerly Invitae), Labcorp
Classification: Uncertain significance. Last evaluated: 2024-10-15. Review status: criteria provided, single submitter. Criteria: Invitae Variant Classification Sherloc (09022015). Collection method: clinical testing. Allele origin: germline.
Comment: This sequence change replaces alanine, which is neutral and non-polar, with valine, which is neutral and non-polar, at codon 300 of the WARS2 protein (p.Ala300Val). This variant is present in population databases (rs370628159, gnomAD 0.05%). This variant has not been reported in the literature in individuals affected with WARS2-related conditions. ClinVar contains an entry for this variant (Variation ID: 1029414). Invitae Evidence Modeling of protein sequence and biophysical properties (such as structural, functional, and spatial information, amino acid conservation, physicochemical variation, residue mobility, and thermodynamic stability) indicates that this missense variant is not expected to disrupt WARS2 protein function with a negative predictive value of 80%. In summary, the available evidence is currently insufficient to determine the role of this variant in disease. Therefore, it has been classified as a Variant of Uncertain Significance.

Baylor Genetics
Classification: Uncertain significance for Neurodevelopmental disorder, mitochondrial, with abnormal movements and lactic acidosis, with or without seizures. Last evaluated: 2019-06-21. Review status: criteria provided, single submitter. Criteria: ACMG Guidelines, 2015. Collection method: clinical testing. Allele origin: unknown. Affected: yes.
Comment: This variant was determined to be of uncertain significance according to ACMG Guidelines, 2015 [PMID:25741868].